The following is an entry in ClinVar:

NM_021930.6(RINT1):c.275T>C (p.Val92Ala)

Gene: RINT1 (RAD50 interactor 1; plus strand). Cytogenetic location: 7q22.3.
Variant type: single nucleotide variant.
Coding change: c.275T>C on transcript NM_021930.6 (MANE Select); coding-DNA position 275, T replaced by C.
Protein change: p.Val92Ala; replaces valine 92 with alanine.
Molecular consequence: missense variant. On other transcripts: 5 prime UTR variant (3), non-coding transcript variant (1).
Genome position (GRCh38, 1-based): chr7:105,542,409, T>C. VCF-style: chr7-105542409-T-C. GRCh37 (hg19) VCF-style: chr7-105182856-T-C.
Other names: c.41T>C, p.Val14Ala (NM_001346599.2); c.-745T>C (NM_001346600.2); c.-648T>C (NM_001346601.2); c.-268T>C (NM_001346603.2); short protein forms V14A, V92A.
Identifiers: ClinVar variation 1795674 (VCV001795674.2), dbSNP rs2485112224, ClinGen allele CA368802697.

ClinVar aggregate classification (germline): Uncertain significance (1 of 4 stars; one submission).

Submission:

Ambry Genetics
Classification: Uncertain significance. Last evaluated: 2022-03-14. Review status: criteria provided, single submitter. Criteria: Ambry Variant Classification Scheme 2023. Collection method: clinical testing. Allele origin: germline.
Comment: The p.V92A variant (also known as c.275T>C), located in coding exon 4 of the RINT1 gene, results from a T to C substitution at nucleotide position 275. The valine at codon 92 is replaced by alanine, an amino acid with similar properties. This amino acid position is conserved. In addition, the in silico prediction for this alteration is inconclusive. Since supporting evidence is limited at this time, the clinical significance of this alteration remains unclear.